The following is an entry in ClinVar:

NM_001330311.2(DVL1):c.363-16T>A

Gene: DVL1 (dishevelled segment polarity protein 1; minus strand). Cytogenetic location: 1p36.33.
Variant type: single nucleotide variant.
Coding change: c.363-16T>A on transcript NM_001330311.2 (MANE Select); 16 bases into the intron before coding-DNA position 363, T replaced by A.
Molecular consequence: intron variant.
Genome position (GRCh38, 1-based): chr1:1,342,172, A>T on the plus strand (T>A on the coding strand, the complement: DVL1 is on the minus strand). VCF-style: chr1-1342172-A-T. GRCh37 (hg19) VCF-style: chr1-1277552-A-T.
Other names: c.363-16T>A (NM_004421.3).
Identifiers: ClinVar variation 2956358 (VCV002956358.3), dbSNP rs753086849, ClinGen allele CA520722.

ClinVar aggregate classification (germline): Uncertain significance (1 of 4 stars; one submission).

Allele frequency attached by ClinVar (database versions not stated): gnomAD 0.00002; ExAC 0.00005.
gnomAD v4.1: 13 of 1,547,642 alleles (0.00084%); highest among the groups gnomAD compares: Middle Eastern, 0.034%; no homozygotes.

Submission:

Labcorp Genetics (formerly Invitae), Labcorp
Classification: Uncertain significance. Last evaluated: 2024-11-05. Review status: criteria provided, single submitter. Criteria: Invitae Variant Classification Sherloc (09022015). Collection method: clinical testing. Allele origin: germline.
Comment: This sequence change falls in intron 3 of the DVL1 gene. It does not directly change the encoded amino acid sequence of the DVL1 protein. The frequency data for this variant in the population databases is considered unreliable, as metrics indicate poor data quality at this position in the gnomAD database. This variant has not been reported in the literature in individuals affected with DVL1-related conditions. ClinVar contains an entry for this variant (Variation ID: 2956358). Algorithms developed to predict the effect of sequence changes on RNA splicing suggest that this variant may create or strengthen a splice site. In summary, the available evidence is currently insufficient to determine the role of this variant in disease. Therefore, it has been classified as a Variant of Uncertain Significance.